The following is an entry in ClinVar:

ClinVar aggregate classification (germline): Uncertain significance (1 of 4 stars; one submission).

Conditions:
Familial thoracic aortic aneurysm and aortic dissection (TAAD). Also called: Thoracic aortic aneurysms and dissections. Identifiers: Orphanet 91387, MedGen C4707243, MONDO:0019625.

Allele frequency attached by ClinVar (database versions not stated): TOPMed 0.00001.

Submission:

Labcorp Genetics (formerly Invitae), Labcorp
Classification: Uncertain significance for Familial thoracic aortic aneurysm and aortic dissection. Last evaluated: 2023-12-30. Review status: criteria provided, single submitter. Criteria: Invitae Variant Classification Sherloc (09022015). Collection method: clinical testing. Allele origin: germline.
Comment: This sequence change falls in intron 8 of the TGFBR1 gene. It does not directly change the encoded amino acid sequence of the TGFBR1 protein. This variant is not present in population databases (gnomAD no frequency). This variant has not been reported in the literature in individuals affected with TGFBR1-related conditions. Algorithms developed to predict the effect of sequence changes on RNA splicing suggest that this variant may disrupt the consensus splice site. In summary, the available evidence is currently insufficient to determine the role of this variant in disease. Therefore, it has been classified as a Variant of Uncertain Significance.

NM_004612.4(TGFBR1):c.1386+6del

Gene: TGFBR1 (transforming growth factor beta receptor 1; plus strand). Cytogenetic location: 9q22.33.
Variant type: Deletion.
Coding change: c.1386+6del on transcript NM_004612.4 (MANE Select); 6 bases into the intron after coding-DNA position 1386, one base deleted (T; older notation c.1386+6delT).
Molecular consequence: intron variant.
Genome position (GRCh38, 1-based): chr9:99,147,790, T deleted. VCF-style (leftmost placement, unchanged base first): chr9-99147789-GT-G. GRCh37 (hg19) VCF-style: chr9-101910071-GT-G.
Other names: c.1191+6del (NM_001407418.1, NM_001407419.1, NM_001407422.1 and 1 more transcripts); c.1179+6del (NM_001407423.1, NM_001407424.1, NM_001407425.1 and 8 more transcripts); c.1398+6del (NM_001306210.2); c.1230+6del (NM_001407416.1); c.1218+6del (NM_001407417.1); c.1155+6del (NM_001407435.1, NM_001130916.3); c.678+6del (NM_001407437.1); c.1140+6del (NM_001407436.1); and 1 more.
Identifiers: ClinVar variation 3021015 (VCV003021015.3), dbSNP rs1362330809, ClinGen allele CA869142565.